The following is an entry in ClinVar:

ClinVar aggregate classification (germline): Uncertain significance (1 of 4 stars; one submission).

Conditions:
Inborn genetic diseases. Identifiers: MedGen C0950123, MeSH D030342.

gnomAD v4.1: 2 of 1,613,950 alleles (0.00012%); highest among the groups gnomAD compares: Non-Finnish European, 0.00017%; no homozygotes.

Submission:

Ambry Genetics
Classification: Uncertain significance for Inborn genetic diseases. Last evaluated: 2025-01-15. Review status: criteria provided, single submitter. Criteria: Ambry Variant Classification Scheme 2023. Collection method: clinical testing. Allele origin: germline.
Comment: The p.W39C variant (also known as c.117G>T), located in coding exon 1 of the SBDS gene, results from a G to T substitution at nucleotide position 117. The tryptophan at codon 39 is replaced by cysteine, an amino acid with highly dissimilar properties. This amino acid position is conserved. In addition, this alteration is predicted to be deleterious by in silico analysis. Based on the available evidence, the clinical significance of this variant remains unclear.

NM_016038.4(SBDS):c.117G>T (p.Trp39Cys)

Gene: SBDS (SBDS ribosome maturation factor; minus strand). Cytogenetic location: 7q11.21.
Variant type: single nucleotide variant.
Coding change: c.117G>T on transcript NM_016038.4 (MANE Select); coding-DNA position 117, G replaced by T.
Protein change: p.Trp39Cys; replaces tryptophan 39 with cysteine.
Molecular consequence: missense variant.
Genome position (GRCh38, 1-based): chr7:66,995,301, C>A on the plus strand (G>T on the coding strand, the complement: SBDS is on the minus strand). VCF-style: chr7-66995301-C-A. GRCh37 (hg19) VCF-style: chr7-66460288-C-A.
Other names: short protein forms W39C.
Identifiers: ClinVar variation 3792712 (VCV003792712.1).
Genomic context (GRCh38, chr7:66,995,301, plus strand): 5'-AGGTGACGGCTCAGGCCCAGGCCCAGGCCCGAGGGAGGGGGCTACTCACACGCCGCTCCG[C>A]CAGCCGACGACCTTGTTTTTGTAGCAGGCGATTTCGAAGCGCTTCCCGGCACGCTTCATC-3'
Protein context (NP_057122.2, residues 29-49): IACYKNKVVG[Trp39Cys]RSGVEKDLDE